The following is an entry in ClinVar:

ClinVar aggregate classification (germline): Uncertain significance. Review status: criteria provided, multiple submitters, no conflicts (2 of 4 stars). 2 submissions from 2 submitters: Uncertain significance (2). Last evaluated 2024-08-30.

Conditions:
Hereditary cancer-predisposing syndrome. Also called: Tumor predisposition; Hereditary neoplastic syndrome; Neoplastic Syndromes, Hereditary; Hereditary Cancer Syndrome. Identifiers: Orphanet 140162, MedGen C0027672, MeSH D009386, MONDO:0015356.
Parathyroid carcinoma (PRTC). Also called: CDC73-Related Parathyroid Carcinoma; Parathyroid gland carcinoma. Identifiers: Orphanet 143, MedGen C0687150, MONDO:0012004, OMIM 608266, HP:0006780.

Allele frequency attached by ClinVar (database versions not stated): gnomAD exomes below 0.00001 and 0.00001.
gnomAD v4.1: 7 of 1,613,252 alleles (0.00043%); highest among the groups gnomAD compares: Non-Finnish European, 0.00042%; no homozygotes.

Submissions (2):

Ambry Genetics
Classification: Uncertain significance for Hereditary cancer-predisposing syndrome. Last evaluated: 2024-08-30. Review status: criteria provided, single submitter. Criteria: Ambry Variant Classification Scheme 2023. Collection method: clinical testing. Allele origin: germline.
Comment: The p.V256I variant (also known as c.766G>A), located in coding exon 8 of the CDC73 gene, results from a G to A substitution at nucleotide position 766. The valine at codon 256 is replaced by isoleucine, an amino acid with highly similar properties. This amino acid position is conserved. In addition, this alteration is predicted to be tolerated by in silico analysis. Since supporting evidence is limited at this time, the clinical significance of this alteration remains unclear.

Labcorp Genetics (formerly Invitae), Labcorp
Classification: Uncertain significance for Parathyroid carcinoma. Last evaluated: 2024-04-14. Review status: criteria provided, single submitter. Criteria: Invitae Variant Classification Sherloc (09022015). Collection method: clinical testing. Allele origin: germline.
Comment: This sequence change replaces valine, which is neutral and non-polar, with isoleucine, which is neutral and non-polar, at codon 256 of the CDC73 protein (p.Val256Ile). This variant is present in population databases (no rsID available, gnomAD 0.0009%). This variant has not been reported in the literature in individuals affected with CDC73-related conditions. ClinVar contains an entry for this variant (Variation ID: 957512). Advanced modeling of protein sequence and biophysical properties (such as structural, functional, and spatial information, amino acid conservation, physicochemical variation, residue mobility, and thermodynamic stability) performed at Invitae indicates that this missense variant is not expected to disrupt CDC73 protein function with a negative predictive value of 80%. In summary, the available evidence is currently insufficient to determine the role of this variant in disease. Therefore, it has been classified as a Variant of Uncertain Significance.

NM_024529.5(CDC73):c.766G>A (p.Val256Ile)

Gene: CDC73 (cell division cycle 73; plus strand). Cytogenetic location: 1q31.2.
Variant type: single nucleotide variant.
Coding change: c.766G>A on transcript NM_024529.5 (MANE Select); coding-DNA position 766, G replaced by A.
Protein change: p.Val256Ile; replaces valine 256 with isoleucine.
Molecular consequence: missense variant.
Genome position (GRCh38, 1-based): chr1:193,147,903, G>A. VCF-style: chr1-193147903-G-A. GRCh37 (hg19) VCF-style: chr1-193117033-G-A.
Other names: short protein forms V256I.
Identifiers: ClinVar variation 957512 (VCV000957512.13), dbSNP rs1472498930, ClinGen allele CA343963931.